The following is an entry in ClinVar:

NM_006005.3(WFS1):c.1656C>T (p.Thr552=)

Gene: WFS1 (wolframin ER transmembrane glycoprotein; plus strand). Cytogenetic location: 4p16.1.
Variant type: single nucleotide variant.
Coding change: c.1656C>T on transcript NM_006005.3 (MANE Select); coding-DNA position 1656, C replaced by T.
Protein change: p.Thr552=; no amino-acid change (threonine 552 retained).
Molecular consequence: synonymous variant.
Genome position (GRCh38, 1-based): chr4:6,301,451, C>T. VCF-style: chr4-6301451-C-T. GRCh37 (hg19) VCF-style: chr4-6303178-C-T.
Other names: c.1656C>T, p.Thr552= (NM_001145853.1).
Identifiers: ClinVar variation 512047 (VCV000512047.41), dbSNP rs141477172, ClinGen allele CA2839431.

ClinVar aggregate classification (germline): Conflicting classifications of pathogenicity. Review status: criteria provided, conflicting classifications (1 of 4 stars). 8 submissions from 7 submitters: Uncertain significance (2); Benign (1); Likely benign (5). Last evaluated 2025-04-03.

Conditions:
WFS1-related disorder. Identifiers: MedGen CN379391, MONDO:0700293.
WFS1-Related Spectrum Disorders.
Autosomal dominant nonsyndromic hearing loss 6 (LFSNHL). Also called: Autosomal dominant nonsyndromic deafness 6; DEAFNESS, AUTOSOMAL DOMINANT 6; DEAFNESS, AUTOSOMAL DOMINANT 14; DEAFNESS, AUTOSOMAL DOMINANT 38. Identifiers: Orphanet 90635, MedGen C1833021, MONDO:0010963, OMIM 600965.
Wolfram syndrome 1 (WFS1). Identifiers: Orphanet 3463, MedGen C4551693, MONDO:0009101, OMIM 222300.

Allele frequency attached by ClinVar (database versions not stated): TOPMed 0.00002; gnomAD 0.00006; ESP Exome Variant Server 0.00008; 1000 Genomes Project 0.00020; 1000 Genomes Project 30x 0.00031.

Submissions (8):

PreventionGenetics, part of Exact Sciences
Classification: Likely benign for WFS1-related condition. Last evaluated: 2025-04-03. Review status: criteria provided, single submitter. Criteria: ACMG Guidelines, 2015. Collection method: clinical testing. Allele origin: germline.
Comment: This variant is classified as likely benign based on ACMG/AMP sequence variant interpretation guidelines (Richards et al. 2015 PMID: 25741868, with internal and published modifications).

Labcorp Genetics (formerly Invitae), Labcorp
Classification: Likely benign. Last evaluated: 2025-02-13. Review status: criteria provided, single submitter. Criteria: Invitae Variant Classification Sherloc (09022015). Collection method: clinical testing. Allele origin: germline.

Blueprint Genetics
Classification: Likely benign. Last evaluated: 2024-08-20. Review status: criteria provided, single submitter. Criteria: ACMG Guidelines, 2015. Collection method: clinical testing. Allele origin: germline.

CeGaT Center for Human Genetics Tuebingen
Classification: Likely benign. Last evaluated: 2023-10-01. Review status: criteria provided, single submitter. Criteria: CeGaT Center For Human Genetics Tuebingen Variant Classification Criteria Version 2. Collection method: clinical testing. Allele origin: germline. Affected: yes. Observed: 1 variant allele.
Comment: WFS1: BP4, BP7

GeneDx
Classification: Likely benign. Last evaluated: 2019-03-20. Review status: criteria provided, single submitter. Criteria: GeneDx Variant Classification Process June 2021. Collection method: clinical testing. Allele origin: germline. Affected: yes.

Illumina Laboratory Services, Illumina
Classification: Uncertain significance for WFS1-Related Spectrum Disorders. Last evaluated: 2018-01-13. Review status: criteria provided, single submitter. Criteria: ICSL Variant Classification Criteria 13 December 2019. Collection method: clinical testing. Allele origin: germline.

Illumina Laboratory Services, Illumina
Classification: Uncertain significance for Autosomal dominant nonsyndromic hearing loss 6. Last evaluated: 2018-01-13. Review status: criteria provided, single submitter. Criteria: ICSL Variant Classification Criteria 13 December 2019. Collection method: clinical testing. Allele origin: germline.

Clinical Genomics, Uppaluri K&H Personalized Medicine Clinic
Classification: Benign for Wolfram syndrome 1. Review status: criteria provided, single submitter. Criteria: K & H Uppaluri Personalized Medicine Clinic Variant Classification & Assertion Criteria_Updated V.1. Collection method: research. Allele origin: unknown. Inheritance: Autosomal recessive inheritance.
Comment: Potent mutations in WFS1 gene are associated with Wolfram's syndrome, an autosomal recessive condition, which cause diabetes mellitus, diabetes insipidus, deafness and optic atrophy.However no sufficient evidence is found to ascertain the role of this particular variant rs141477172 in Wolfram's syndrome yet.

Literature cited by the submitters: PubMed 20738327 (cited by Clinical Genomics, Uppaluri K&H Personalized Medicine Clinic); PubMed 33879153 (cited by Clinical Genomics, Uppaluri K&H Personalized Medicine Clinic); PubMed 12955714 (cited by Clinical Genomics, Uppaluri K&H Personalized Medicine Clinic); PubMed 18060660 (cited by Clinical Genomics, Uppaluri K&H Personalized Medicine Clinic); PubMed 20301750 (cited by Clinical Genomics, Uppaluri K&H Personalized Medicine Clinic); PubMed 17603484 (cited by Clinical Genomics, Uppaluri K&H Personalized Medicine Clinic).